The following is an entry in ClinVar:

NM_019109.5(ALG1):c.384T>C (p.Phe128=)

Gene: ALG1 (ALG1 chitobiosyldiphosphodolichol beta-mannosyltransferase; plus strand). Cytogenetic location: 16p13.3.
Variant type: single nucleotide variant.
Coding change: c.384T>C on transcript NM_019109.5 (MANE Select); coding-DNA position 384, T replaced by C.
Protein change: p.Phe128=; no amino-acid change (phenylalanine 128 retained).
Molecular consequence: synonymous variant.
Genome position (GRCh38, 1-based): chr16:5,073,250, T>C. VCF-style: chr16-5073250-T-C. GRCh37 (hg19) VCF-style: chr16-5123251-T-C.
Other names: c.51T>C, p.Phe17= (NM_001330504.2).
Identifiers: ClinVar variation 512100 (VCV000512100.13), dbSNP rs140626461, ClinGen allele CA7889799.

ClinVar aggregate classification (germline): Likely benign. Review status: criteria provided, multiple submitters, no conflicts (2 of 4 stars). 4 submissions from 4 submitters: Likely benign (3). 1 of the submissions does not count toward it. Last evaluated 2026-01-27.

Conditions:
ALG1-congenital disorder of glycosylation. Also called: ALG1-CDG; CONGENITAL DISORDER OF GLYCOSYLATION, TYPE Ik; CDG Ik. Identifiers: Orphanet 79327, MedGen C2931005, MONDO:0012052, OMIM 608540.
ALG1-related disorder. Also called: ALG1-related condition.

Allele frequency attached by ClinVar (database versions not stated): gnomAD 0.00011 and 0.00017; gnomAD exomes 0.00013 and 0.00022; TOPMed 0.00013; ExAC 0.00017; 1000 Genomes Project 30x 0.00078; 1000 Genomes Project 0.00080.
gnomAD v4.1: 340 of 1,613,962 alleles (0.021%); highest among the groups gnomAD compares: East Asian, 0.71%; 2 homozygotes.

Submissions (4):

Labcorp Genetics (formerly Invitae), Labcorp
Classification: Likely benign for ALG1-congenital disorder of glycosylation. Last evaluated: 2026-01-27. Review status: criteria provided, single submitter. Criteria: Invitae Variant Classification Sherloc (09022015). Collection method: clinical testing. Allele origin: germline.

Fulgent Genetics
Classification: Likely benign for ALG1-congenital disorder of glycosylation. Last evaluated: 2022-02-22. Review status: criteria provided, single submitter. Criteria: ACMG Guidelines, 2015. Collection method: clinical testing. Allele origin: unknown.

GeneDx
Classification: Likely benign. Last evaluated: 2017-10-03. Review status: criteria provided, single submitter. Criteria: GeneDx Variant Classification (06012015). Collection method: clinical testing. Allele origin: germline. Affected: yes.
Comment: This variant is considered likely benign or benign based on one or more of the following criteria: it is a conservative change, it occurs at a poorly conserved position in the protein, it is predicted to be benign by multiple in silico algorithms, and/or has population frequency not consistent with disease.

PreventionGenetics, part of Exact Sciences
Classification: Likely benign for ALG1-related condition. Last evaluated: 2019-04-10. Review status: no assertion criteria provided. Collection method: clinical testing. Allele origin: germline. Not counted in ClinVar's aggregate classification.
Comment: This variant is classified as likely benign based on ACMG/AMP sequence variant interpretation guidelines (Richards et al. 2015 PMID: 25741868, with internal and published modifications).